The following is an entry in ClinVar:

ClinVar aggregate classification (germline): Uncertain significance (1 of 4 stars; one submission).

Conditions:
Charcot-Marie-Tooth disease type 4. Also called: Charcot-Marie-Tooth disease, type IV; Charcot-Marie-Tooth, Type 4. Identifiers: Orphanet 64749, MedGen C4082197, MONDO:0018995.

Allele frequency attached by ClinVar (database versions not stated): gnomAD 0.00001.
gnomAD v4.1: 2 of 1,612,130 alleles (0.00012%); no homozygotes.

Submission:

Labcorp Genetics (formerly Invitae), Labcorp
Classification: Uncertain significance for Charcot-Marie-Tooth disease type 4. Last evaluated: 2022-03-26. Review status: criteria provided, single submitter. Criteria: Invitae Variant Classification Sherloc (09022015). Collection method: clinical testing. Allele origin: germline.
Comment: This variant is present in population databases (no rsID available, gnomAD 0.03%). In summary, the available evidence is currently insufficient to determine the role of this variant in disease. Therefore, it has been classified as a Variant of Uncertain Significance. Algorithms developed to predict the effect of missense changes on protein structure and function (SIFT, PolyPhen-2, Align-GVGD) all suggest that this variant is likely to be tolerated. This variant has not been reported in the literature in individuals affected with FIG4-related conditions. This sequence change replaces proline, which is neutral and non-polar, with threonine, which is neutral and polar, at codon 185 of the FIG4 protein (p.Pro185Thr).

NM_014845.6(FIG4):c.553C>A (p.Pro185Thr)

Gene: FIG4 (FIG4 phosphoinositide 5-phosphatase; plus strand). Cytogenetic location: 6q21.
Variant type: single nucleotide variant.
Coding change: c.553C>A on transcript NM_014845.6 (MANE Select); coding-DNA position 553, C replaced by A.
Protein change: p.Pro185Thr; replaces proline 185 with threonine.
Molecular consequence: missense variant.
Genome position (GRCh38, 1-based): chr6:109,735,205, C>A. VCF-style: chr6-109735205-C-A. GRCh37 (hg19) VCF-style: chr6-110056408-C-A.
Other names: short protein forms P185T.
Identifiers: ClinVar variation 2117702 (VCV002117702.4), dbSNP rs1317532051, ClinGen allele CA365219325.